The following is an entry in ClinVar:

ClinVar aggregate classification (germline): Benign. Review status: criteria provided, multiple submitters, no conflicts (2 of 4 stars). 2 submissions from 2 submitters: Benign (2). Last evaluated 2018-01-13.

Conditions:
Hypoparathyroidism, deafness, renal disease syndrome (HDRS). Also called: HYPOPARATHYROIDISM, SENSORINEURAL DEAFNESS, AND RENAL DYSPLASIA SYNDROME. Identifiers: Orphanet 2237, MedGen C1840333, MONDO:0007797, OMIM 146255.

Allele frequency attached by ClinVar (database versions not stated): gnomAD exomes 0.00142; gnomAD 0.00147 and 0.00216; TOPMed 0.00290; 1000 Genomes Project 0.01078; 1000 Genomes Project 30x 0.01171.
gnomAD v4.1: 2,344 of 1,523,606 alleles (0.15%); highest among the groups gnomAD compares: East Asian, 4.8%; 70 homozygotes.

Submissions (2):

Illumina Laboratory Services, Illumina
Classification: Benign for Hypoparathyroidism, deafness, renal disease syndrome. Last evaluated: 2018-01-13. Review status: criteria provided, single submitter. Criteria: ICSL Variant Classification Criteria 13 December 2019. Collection method: clinical testing. Allele origin: germline.
Comment: This variant was observed in the ICSL laboratory as part of a predisposition screen in an ostensibly healthy population. It had not been previously curated by ICSL or reported in the Human Gene Mutation Database (HGMD: prior to June 1st, 2018), and was therefore a candidate for classification through an automated scoring system. Utilizing variant allele frequency, disease prevalence and penetrance estimates, and inheritance mode, an automated score was calculated to assess if this variant is too frequent to cause the disease. Based on the score and internal cut-off values, a variant classified as benign is not then subjected to further curation. The score for this variant resulted in a classification of benign for this disease.

Breakthrough Genomics
Classification: Benign. Review status: criteria provided, single submitter. Criteria: ACMG Guidelines, 2015. Collection method: not provided. Allele origin: germline. Inheritance: Autosomal dominant inheritance. Affected: yes.

NM_001002295.2(GATA3):c.-69G>A

Gene: GATA3 (GATA binding protein 3; plus strand). Cytogenetic location: 10p14.
Variant type: single nucleotide variant.
Coding change: c.-69G>A on transcript NM_001002295.2 (MANE Select); 69 bases upstream of the start codon, G replaced by A.
Molecular consequence: 5 prime UTR variant.
Genome position (GRCh38, 1-based): chr10:8,055,587, G>A. VCF-style: chr10-8055587-G-A. GRCh37 (hg19) VCF-style: chr10-8097550-G-A.
Other names: c.-69G>A (NM_002051.3).
Identifiers: ClinVar variation 301112 (VCV000301112.6), dbSNP rs28395794, ClinGen allele CA10632553.